The following is an entry in ClinVar:

NM_001698.3(AUH):c.678C>T (p.Arg226=)

Gene: AUH (AU RNA binding methylglutaconyl-CoA hydratase; minus strand). Cytogenetic location: 9q22.31.
Variant type: single nucleotide variant.
Coding change: c.678C>T on transcript NM_001698.3 (MANE Select); coding-DNA position 678, C replaced by T.
Protein change: p.Arg226=; no amino-acid change (arginine 226 retained).
Molecular consequence: synonymous variant.
Genome position (GRCh38, 1-based): chr9:91,220,970, G>A on the plus strand (C>T on the coding strand, the complement: AUH is on the minus strand). VCF-style: chr9-91220970-G-A. GRCh37 (hg19) VCF-style: chr9-93983252-G-A.
Other names: p.R226R:CGC>CGT; c.591C>T, p.Arg197= (NM_001306190.2); c.351C>T, p.Arg117= (NM_001351431.2, NM_001351432.2, NM_001351433.2).
Identifiers: ClinVar variation 136472 (VCV000136472.18), dbSNP rs143768042, ClinGen allele CA289610.

ClinVar aggregate classification (germline): Conflicting classifications of pathogenicity. Review status: criteria provided, conflicting classifications (1 of 4 stars). 5 submissions from 5 submitters: Uncertain significance (1); Benign (2); Likely benign (1). 1 of the submissions does not count toward it. Last evaluated 2026-01-11.

Conditions:
AUH-related disorder. Also called: AUH-related condition.
3-methylglutaconic aciduria type 1 (MGCA1). Identifiers: Orphanet 67046, MedGen C0342727, MONDO:0009610, OMIM 250950.

Allele frequency attached by ClinVar (database versions not stated): 1000 Genomes Project 30x 0.00016; TOPMed 0.00016; 1000 Genomes Project 0.00020; ExAC 0.00020; ESP Exome Variant Server 0.00031; gnomAD exomes 0.00011; gnomAD 0.00015.
gnomAD v4.1: 195 of 1,614,186 alleles (0.012%); highest among the groups gnomAD compares: Middle Eastern, 0.016%; no homozygotes.

Submissions (5):

Labcorp Genetics (formerly Invitae), Labcorp
Classification: Benign for 3-methylglutaconic aciduria type 1. Last evaluated: 2026-01-11. Review status: criteria provided, single submitter. Criteria: Invitae Variant Classification Sherloc (09022015). Collection method: clinical testing. Allele origin: germline.

Blueprint Genetics
Classification: Likely benign. Last evaluated: 2024-02-29. Review status: criteria provided, single submitter. Criteria: ACMG Guidelines, 2015. Collection method: clinical testing. Allele origin: germline.

Illumina Laboratory Services, Illumina
Classification: Uncertain significance for 3-methylglutaconic aciduria type 1. Last evaluated: 2018-01-12. Review status: criteria provided, single submitter. Criteria: ICSL Variant Classification Criteria 13 December 2019. Collection method: clinical testing. Allele origin: germline.

GeneDx
Classification: Benign. Last evaluated: 2014-03-11. Review status: criteria provided, single submitter. Criteria: GeneDx Variant Classification (06012015). Collection method: clinical testing. Allele origin: germline. Affected: yes.
Comment: This variant is considered likely benign or benign based on one or more of the following criteria: it is a conservative change, it occurs at a poorly conserved position in the protein, it is predicted to be benign by multiple in silico algorithms, and/or has population frequency not consistent with disease.

PreventionGenetics, part of Exact Sciences
Classification: Likely benign for AUH-related condition. Last evaluated: 2021-02-16. Review status: no assertion criteria provided. Collection method: clinical testing. Allele origin: germline. Not counted in ClinVar's aggregate classification.
Comment: This variant is classified as likely benign based on ACMG/AMP sequence variant interpretation guidelines (Richards et al. 2015 PMID: 25741868, with internal and published modifications).